The following is an entry in ClinVar:

NM_005502.4(ABCA1):c.*1896G>A

Genes: ABCA1 (ATP binding cassette subfamily A member 1; minus strand), NIPSNAP3B (nipsnap homolog 3B; plus strand). Cytogenetic location: 9q31.1.
Variant type: single nucleotide variant.
Coding change: c.*1896G>A on transcript NM_005502.4 (MANE Select); 1896 bases downstream of the stop codon, G replaced by A.
Molecular consequence: 3 prime UTR variant.
Genome position (GRCh38, 1-based): chr9:104,782,419, C>T on the plus strand (G>A on the coding strand, the complement: ABCA1 is on the minus strand). VCF-style: chr9-104782419-C-T. GRCh37 (hg19) VCF-style: chr9-107544700-C-T.
Identifiers: ClinVar variation 364341 (VCV000364341.8), dbSNP rs363717, ClinGen allele CA10626126.
Genomic context (GRCh38, chr9:104,782,419, plus strand): 5'-AATATAGAAAGATTAATTTGAAATCTGAAGTCTTACACCTTTAGCGTTAATATTCAAATT[C>T]TGGAAAAAGTGGAAGAAGTTAGTAATGATATTGAAAGATCACTTGAACTTCCCCAAACAA-3'

ClinVar aggregate classification (germline): Benign. Review status: criteria provided, multiple submitters, no conflicts (2 of 4 stars). 4 submissions from 3 submitters: Benign (4). Last evaluated 2021-05-08.

Conditions:
Hypoalphalipoproteinemia, primary, 1. Identifiers: Orphanet 425, MedGen C5231558, MONDO:0011393, OMIM 604091.
Tangier disease (TGD). Also called: HIGH DENSITY LIPOPROTEIN DEFICIENCY, TANGIER TYPE; HIGH DENSITY LIPOPROTEIN DEFICIENCY, TYPE 1; Cholesterol thesaurismosis. Identifiers: Orphanet 31150, MedGen C0039292, MONDO:0008783, OMIM 205400.

Allele frequency attached by ClinVar (database versions not stated): gnomAD 0.84998 and 0.85223; 1000 Genomes Project 0.85763; 1000 Genomes Project 30x 0.85931; TOPMed 0.86683.

Submissions (4):

GeneDx
Classification: Benign. Last evaluated: 2021-05-08. Review status: criteria provided, single submitter. Criteria: GeneDx Variant Classification Process June 2021. Collection method: clinical testing. Allele origin: germline. Affected: yes.

Illumina Laboratory Services, Illumina
Classification: Benign for Tangier disease. Last evaluated: 2018-01-13. Review status: criteria provided, single submitter. Criteria: ICSL Variant Classification Criteria 13 December 2019. Collection method: clinical testing. Allele origin: germline.
Comment: This variant was observed in the ICSL laboratory as part of a predisposition screen in an ostensibly healthy population. It had not been previously curated by ICSL or reported in the Human Gene Mutation Database (HGMD: prior to June 1st, 2018), and was therefore a candidate for classification through an automated scoring system. Utilizing variant allele frequency, disease prevalence and penetrance estimates, and inheritance mode, an automated score was calculated to assess if this variant is too frequent to cause the disease. Based on the score and internal cut-off values, a variant classified as benign is not then subjected to further curation. The score for this variant resulted in a classification of benign for this disease.

Illumina Laboratory Services, Illumina
Classification: Benign for Hypoalphalipoproteinemia, primary, 1. Last evaluated: 2018-01-13. Review status: criteria provided, single submitter. Criteria: ICSL Variant Classification Criteria 13 December 2019. Collection method: clinical testing. Allele origin: germline.
Comment: the same text as in the submission from Illumina Laboratory Services, Illumina above.

Breakthrough Genomics
Classification: Benign. Review status: criteria provided, single submitter. Criteria: ACMG Guidelines, 2015. Collection method: not provided. Allele origin: germline. Inheritance: Autosomal recessive inheritance. Affected: yes.